The following is an entry in ClinVar:

ClinVar aggregate classification (germline): Uncertain significance (1 of 4 stars; one submission).

Submission:

GeneDx
Classification: Uncertain significance. Last evaluated: 2025-12-15. Review status: criteria provided, single submitter. Criteria: GeneDx Variant Classification Process June 2021. Collection method: clinical testing. Allele origin: germline.
Comment: Not observed at significant frequency in large population cohorts (gnomAD); In silico analysis supports that this missense variant has a deleterious effect on protein structure/function; Has not been previously published as pathogenic or benign to our knowledge

NM_001394062.1(MACF1):c.4424A>T (p.Gln1475Leu)

Gene: MACF1 (microtubule actin crosslinking factor 1; plus strand). Cytogenetic location: 1p34.3.
Variant type: single nucleotide variant.
Coding change: c.4424A>T on transcript NM_001394062.1 (MANE Select); coding-DNA position 4424, A replaced by T.
Protein change: p.Gln1475Leu; replaces glutamine 1475 with leucine.
Molecular consequence: missense variant.
Genome position (GRCh38, 1-based): chr1:39,324,680, A>T. VCF-style: chr1-39324680-A-T. GRCh37 (hg19) VCF-style: chr1-39790352-A-T.
Other names: c.4439A>T, p.Gln1480Leu (NM_012090.5); short protein forms Q1475L, Q1480L.
Identifiers: ClinVar variation 3360556 (VCV003360556.2).